The following is an entry in ClinVar:

NM_002074.5(GNB1):c.392G>A (p.Gly131Glu)

Gene: GNB1 (G protein subunit beta 1; minus strand). Cytogenetic location: 1p36.33.
Variant type: single nucleotide variant.
Coding change: c.392G>A on transcript NM_002074.5 (MANE Select); coding-DNA position 392, G replaced by A.
Protein change: p.Gly131Glu; replaces glycine 131 with glutamic acid.
Molecular consequence: missense variant.
Genome position (GRCh38, 1-based): chr1:1,804,457, C>T on the plus strand (G>A on the coding strand, the complement: GNB1 is on the minus strand). VCF-style: chr1-1804457-C-T. GRCh37 (hg19) VCF-style: chr1-1735896-C-T.
Other names: c.92G>A, p.Gly31Glu (NM_001282538.2); c.392G>A, p.Gly131Glu (NM_001282539.2); short protein forms G131E, G31E.
Identifiers: ClinVar variation 3372534 (VCV003372534.1).

ClinVar aggregate classification (germline): Uncertain significance (1 of 4 stars; one submission).

Submission:

GeneDx
Classification: Uncertain significance. Last evaluated: 2024-04-12. Review status: criteria provided, single submitter. Criteria: GeneDx Variant Classification Process June 2021. Collection method: clinical testing. Allele origin: germline. Affected: yes.
Comment: Not observed at significant frequency in large population cohorts (gnomAD); In silico analysis supports that this missense variant has a deleterious effect on protein structure/function; Has not been previously published as pathogenic or benign to our knowledge